The following is an entry in ClinVar:

NM_001382508.1(DROSHA):c.3807C>T (p.Cys1269=)

Gene: DROSHA (drosha ribonuclease III; minus strand). Cytogenetic location: 5p13.3.
Variant type: single nucleotide variant.
Coding change: c.3807C>T on transcript NM_001382508.1 (MANE Select); coding-DNA position 3807, C replaced by T.
Protein change: p.Cys1269=; no amino-acid change (cysteine 1269 retained).
Molecular consequence: synonymous variant.
Genome position (GRCh38, 1-based): chr5:31,409,103, G>A on the plus strand (C>T on the coding strand, the complement: DROSHA is on the minus strand). VCF-style: chr5-31409103-G-A. GRCh37 (hg19) VCF-style: chr5-31409210-G-A.
Other names: c.3696C>T, p.Cys1232= (NM_001100412.2); c.3807C>T, p.Cys1269= (NM_013235.5).
Identifiers: ClinVar variation 3040208 (VCV003040208.2), dbSNP rs181677016, ClinGen allele CA3217119.

ClinVar aggregate classification (germline): Likely benign (0 of 4 stars; one submission).

Conditions:
DROSHA-related disorder. Also called: DROSHA-related condition.

Allele frequency attached by ClinVar (database versions not stated): gnomAD exomes 0.00015; gnomAD 0.00020; TOPMed 0.00026; ExAC 0.00032; 1000 Genomes Project 30x 0.00094; 1000 Genomes Project 0.00100.
gnomAD v4.1: 254 of 1,613,914 alleles (0.016%); highest among the groups gnomAD compares: East Asian, 0.39%; 2 homozygotes.

Submission:

PreventionGenetics, part of Exact Sciences
Classification: Likely benign for DROSHA-related condition. Last evaluated: 2022-07-05. Review status: no assertion criteria provided. Collection method: clinical testing. Allele origin: germline.
Comment: This variant is classified as likely benign based on ACMG/AMP sequence variant interpretation guidelines (Richards et al. 2015 PMID: 25741868, with internal and published modifications).